The following is an entry in ClinVar:

ClinVar aggregate classification (germline): Benign/Likely benign. Review status: criteria provided, multiple submitters, no conflicts (2 of 4 stars). 4 submissions from 4 submitters: Benign (2); Likely benign (1). 1 of the submissions does not count toward it. Last evaluated 2022-05-01.

Conditions:
TBC1D1-related disorder. Also called: TBC1D1-related condition.

Allele frequency attached by ClinVar (database versions not stated): 1000 Genomes Project 0.00260; 1000 Genomes Project 30x 0.00265; ExAC 0.00300; gnomAD exomes 0.00320 and 0.00501; gnomAD 0.00358 and 0.00365; ESP Exome Variant Server 0.00378; TOPMed 0.00409.
gnomAD v4.1: 7,855 of 1,609,970 alleles (0.49%); highest among the groups gnomAD compares: Non-Finnish European, 0.6%; 39 homozygotes.

Submissions (4):

CeGaT Center for Human Genetics Tuebingen
Classification: Likely benign. Last evaluated: 2022-05-01. Review status: criteria provided, single submitter. Criteria: CeGaT Center For Human Genetics Tuebingen Variant Classification Criteria Version 2. Collection method: clinical testing. Allele origin: germline. Affected: yes. Observed: 1 variant allele.
Comment: TBC1D1: BP4, BP7

Labcorp Genetics (formerly Invitae), Labcorp
Classification: Benign. Last evaluated: 2019-12-31. Review status: criteria provided, single submitter. Criteria: Invitae Variant Classification Sherloc (09022015). Collection method: clinical testing. Allele origin: germline.

Breakthrough Genomics
Classification: Benign. Review status: criteria provided, single submitter. Criteria: ACMG Guidelines, 2015. Collection method: not provided. Allele origin: germline. Inheritance: Unknown mechanism. Affected: yes.

PreventionGenetics, part of Exact Sciences
Classification: Likely benign for TBC1D1-related condition. Last evaluated: 2020-02-25. Review status: no assertion criteria provided. Collection method: clinical testing. Allele origin: germline. Not counted in ClinVar's aggregate classification.
Comment: This variant is classified as likely benign based on ACMG/AMP sequence variant interpretation guidelines (Richards et al. 2015 PMID: 25741868, with internal and published modifications).

NM_001396959.1(TBC1D1):c.1890A>G (p.Thr630=)

Gene: TBC1D1 (TBC1 domain family member 1; plus strand). Cytogenetic location: 4p14.
Variant type: single nucleotide variant.
Coding change: c.1890A>G on transcript NM_001396959.1 (MANE Select); coding-DNA position 1890, A replaced by G.
Protein change: p.Thr630=; no amino-acid change (threonine 630 retained).
Molecular consequence: synonymous variant.
Genome position (GRCh38, 1-based): chr4:38,049,878, A>G. VCF-style: chr4-38049878-A-G. GRCh37 (hg19) VCF-style: chr4-38051499-A-G.
Other names: c.1890A>G, p.Thr630= (NM_001253912.2, NM_015173.4).
Identifiers: ClinVar variation 781978 (VCV000781978.31), dbSNP rs140029744, ClinGen allele CA2887900.